The following is an entry in ClinVar:

NM_000038.6(APC):c.3680G>A (p.Arg1227Lys)

Gene: APC (APC regulator of Wnt signaling pathway; plus strand). Cytogenetic location: 5q22.2.
Variant type: single nucleotide variant.
Coding change: c.3680G>A on transcript NM_000038.6 (MANE Select); coding-DNA position 3680, G replaced by A.
Protein change: p.Arg1227Lys; replaces arginine 1227 with lysine.
Molecular consequence: missense variant.
Genome position (GRCh38, 1-based): chr5:112,839,274, G>A. VCF-style: chr5-112839274-G-A. GRCh37 (hg19) VCF-style: chr5-112174971-G-A.
Other names: c.3680G>A, p.Arg1227Lys (NM_001127510.3, NM_001354895.2); c.3626G>A, p.Arg1209Lys (NM_001127511.3); c.3734G>A, p.Arg1245Lys (NM_001354896.2); c.3710G>A, p.Arg1237Lys (NM_001354897.2); c.3605G>A, p.Arg1202Lys (NM_001354898.2); c.3596G>A, p.Arg1199Lys (NM_001354899.2); c.3557G>A, p.Arg1186Lys (NM_001354900.2); c.3503G>A, p.Arg1168Lys (NM_001354901.2); and 5 more; short protein forms R1101K, R1186K, R1209K, R1227K, R1245K, R944K, R1067K, R1136K.
Identifiers: ClinVar variation 861765 (VCV000861765.13), dbSNP rs1765492213, ClinGen allele CA16029408.
Genomic context (GRCh38, chr5:112,839,274, plus strand): 5'-AAACCGAACATATGTCTTCAAGCAGTGAGAATACGTCCACACCTTCATCTAATGCCAAGA[G>A]GCAGAATCAGCTCCATCCAAGTTCTGCACAGAGTAGAAGTGGTCAGCCTCAAAAGGCTGC-3'
Protein context (NP_000029.2, residues 1217-1237): NTSTPSSNAK[Arg1227Lys]QNQLHPSSAQ

ClinVar aggregate classification (germline): Uncertain significance. Review status: criteria provided, multiple submitters, no conflicts (2 of 4 stars). 2 submissions from 2 submitters: Uncertain significance (2). Last evaluated 2025-12-15.

Conditions:
Hereditary cancer-predisposing syndrome. Also called: Tumor predisposition; Hereditary neoplastic syndrome; Neoplastic Syndromes, Hereditary; Hereditary Cancer Syndrome. Identifiers: Orphanet 140162, MedGen C0027672, MeSH D009386, MONDO:0015356.
Familial adenomatous polyposis 1 (FAP1). Also called: POLYPOSIS, ADENOMATOUS INTESTINAL; FAMILIAL ADENOMATOUS POLYPOSIS 1, ATTENUATED. Identifiers: MedGen C2713442, MONDO:0021056, OMIM 175100. Disease mechanism: loss of function.

Submissions (2):

Labcorp Genetics (formerly Invitae), Labcorp
Classification: Uncertain significance for Familial adenomatous polyposis 1. Last evaluated: 2025-12-15. Review status: criteria provided, single submitter. Criteria: Invitae Variant Classification Sherloc (09022015). Collection method: clinical testing. Allele origin: germline.
Comment: This sequence change replaces arginine, which is basic and polar, with lysine, which is basic and polar, at codon 1227 of the APC protein (p.Arg1227Lys). This variant is not present in population databases (gnomAD no frequency). This variant has not been reported in the literature in individuals affected with APC-related conditions. ClinVar contains an entry for this variant (Variation ID: 861765). Invitae Evidence Modeling of protein sequence and biophysical properties (such as structural, functional, and spatial information, amino acid conservation, physicochemical variation, residue mobility, and thermodynamic stability) indicates that this missense variant is not expected to disrupt APC protein function with a negative predictive value of 95%. In summary, the available evidence is currently insufficient to determine the role of this variant in disease. Therefore, it has been classified as a Variant of Uncertain Significance.

Ambry Genetics
Classification: Uncertain significance for Hereditary cancer-predisposing syndrome. Last evaluated: 2022-06-04. Review status: criteria provided, single submitter. Criteria: Ambry Variant Classification Scheme 2023. Collection method: clinical testing. Allele origin: germline.
Comment: The p.R1227K variant (also known as c.3680G>A), located in coding exon 15 of the APC gene, results from a G to A substitution at nucleotide position 3680. The arginine at codon 1227 is replaced by lysine, an amino acid with highly similar properties. This amino acid position is conserved. In addition, in silico predictors for this gene do not accurately predict pathogenicity. Since supporting evidence is limited at this time, the clinical significance of this alteration remains unclear.